The following is an entry in ClinVar:

ClinVar aggregate classification (germline): Likely benign. Review status: criteria provided, multiple submitters, no conflicts (2 of 4 stars). 3 submissions from 3 submitters: Likely benign (3). Last evaluated 2025-11-13.

Allele frequency attached by ClinVar (database versions not stated): ExAC 0.00003; gnomAD exomes 0.00004 and 0.00009; gnomAD 0.00007 and 0.00008; TOPMed 0.00007; ESP Exome Variant Server 0.00008.
gnomAD v4.1: 132 of 1,566,564 alleles (0.0084%); highest among the groups gnomAD compares: Non-Finnish European, 0.011%; no homozygotes.

Submissions (3):

Labcorp Genetics (formerly Invitae), Labcorp
Classification: Likely benign. Last evaluated: 2025-11-13. Review status: criteria provided, single submitter. Criteria: Invitae Variant Classification Sherloc (09022015). Collection method: clinical testing. Allele origin: germline.

Blueprint Genetics
Classification: Likely benign. Last evaluated: 2024-09-17. Review status: criteria provided, single submitter. Criteria: ACMG Guidelines, 2015. Collection method: clinical testing. Allele origin: germline.

Laboratory for Molecular Medicine, Mass General Brigham Personalized Medicine
Classification: Likely benign. Last evaluated: 2014-11-24. Review status: criteria provided, single submitter. Criteria: LMM Criteria. Collection method: clinical testing. Allele origin: germline. Observed: 1 variant allele.
Comment: c.1861+7A>G in intron 16 of LARS2: This variant is not expected to have clinical significance because it is not located within the conserved splice consensus se quence. This variant has been identified in 3/66708 European chromosomes by the Exome Aggregation Consortium (ExAC; dbSNP rs3690 84897).

NM_015340.4(LARS2):c.1861+7A>G

Gene: LARS2 (leucyl-tRNA synthetase 2, mitochondrial; plus strand). Cytogenetic location: 3p21.31.
Variant type: single nucleotide variant.
Coding change: c.1861+7A>G on transcript NM_015340.4 (MANE Select); 7 bases into the intron after coding-DNA position 1861, A replaced by G.
Molecular consequence: intron variant.
Genome position (GRCh38, 1-based): chr3:45,513,242, A>G. VCF-style: chr3-45513242-A-G. GRCh37 (hg19) VCF-style: chr3-45554734-A-G.
Other names: c.1861+7A>G (NM_001368263.1).
Identifiers: ClinVar variation 504762 (VCV000504762.9), dbSNP rs369084897, ClinGen allele CA2349708.